The following is an entry in ClinVar:

ClinVar aggregate classification (germline): Conflicting classifications of pathogenicity. Review status: criteria provided, conflicting classifications (1 of 4 stars). 3 submissions from 3 submitters: Uncertain significance (2); Likely benign (1). Last evaluated 2024-05-13.

Conditions:
Hereditary cancer-predisposing syndrome. Also called: Neoplastic Syndromes, Hereditary; Hereditary Cancer Syndrome; Tumor predisposition; Hereditary neoplastic syndrome. Identifiers: Orphanet 140162, MedGen C0027672, MeSH D009386, MONDO:0015356.
Hereditary breast ovarian cancer syndrome. Also called: Breast and ovarian cancer; Hereditary breast and ovarian cancer; Hereditary breast and ovarian cancer syndrome; Hereditary breast and ovarian cancer syndrome (HBOC); BRCA1- and BRCA2-Associated Hereditary Breast and Ovarian Cancer; Hereditary breast and/or ovarian cancer syndrome. Identifiers: Orphanet 145, MedGen C0677776, MeSH D061325, MONDO:0003582. Disease mechanism: loss of function.

Submissions (3):

Color Diagnostics, LLC DBA Color Health
Classification: Uncertain significance for Hereditary cancer-predisposing syndrome. Last evaluated: 2024-05-13. Review status: criteria provided, single submitter. Criteria: ACMG Guidelines, 2015. Collection method: clinical testing. Allele origin: germline.
Comment: This missense variant replaces glutamic acid with glycine at codon 1219 of the BRCA1 protein. Computational prediction is inconclusive regarding the impact of this variant on protein structure and function. To our knowledge, functional studies have not been reported for this variant. This variant has not been reported in individuals affected with BRCA1-related disorders in the literature. This variant has not been identified in the general population by the Genome Aggregation Database (gnomAD). The available evidence is insufficient to determine the role of this variant in disease conclusively. Therefore, this variant is classified as a Variant of Uncertain Significance.

University of Washington Department of Laboratory Medicine, University of Washington
Classification: Likely benign for Hereditary cancer-predisposing syndrome. Last evaluated: 2023-03-23. Review status: criteria provided, single submitter. Criteria: Dines et al. (Genet Med. 2020). Collection method: curation. Allele origin: germline.
Comment: Missense variant in a coldspot region where missense variants are very unlikely to be pathogenic (PMID:31911673).

BRCA1 coldspot (exon 11 using historical exon numbering). Reclassification based on statistical prior probability

Labcorp Genetics (formerly Invitae), Labcorp
Classification: Uncertain significance for Hereditary breast ovarian cancer syndrome. Last evaluated: 2022-10-20. Review status: criteria provided, single submitter. Criteria: Invitae Variant Classification Sherloc (09022015). Collection method: clinical testing. Allele origin: germline.
Comment: In summary, the available evidence is currently insufficient to determine the role of this variant in disease. Therefore, it has been classified as a Variant of Uncertain Significance. Advanced modeling of protein sequence and biophysical properties (such as structural, functional, and spatial information, amino acid conservation, physicochemical variation, residue mobility, and thermodynamic stability) performed at Invitae indicates that this missense variant is not expected to disrupt BRCA1 protein function. ClinVar contains an entry for this variant (Variation ID: 1472400). This variant has not been reported in the literature in individuals affected with BRCA1-related conditions. This variant is not present in population databases (gnomAD no frequency). This sequence change replaces glutamic acid, which is acidic and polar, with glycine, which is neutral and non-polar, at codon 1219 of the BRCA1 protein (p.Glu1219Gly).

NM_007294.4(BRCA1):c.3656A>G (p.Glu1219Gly)

Genes: BRCA1 (BRCA1 DNA repair associated; minus strand), LOC126862571 (BRD4-independent group 4 enhancer GRCh37_chr17:41243136-41244335; plus strand). Cytogenetic location: 17q21.31.
Variant type: single nucleotide variant.
Coding change: c.3656A>G on transcript NM_007294.4 (MANE Select); coding-DNA position 3656, A replaced by G.
Protein change: p.Glu1219Gly; replaces glutamic acid 1219 with glycine.
Molecular consequence: missense variant. On other transcripts: intron variant (135).
Genome position (GRCh38, 1-based): chr17:43,091,875, T>C on the plus strand (A>G on the coding strand, the complement: BRCA1 is on the minus strand). VCF-style: chr17-43091875-T-C. GRCh37 (hg19) VCF-style: chr17-41243892-T-C.
Other names: c.3530A>G, p.Glu1177Gly (NM_001407688.1, NM_001407689.1, NM_001407690.1 and 11 more transcripts); c.3515A>G, p.Glu1172Gly (NM_001407692.1, NM_001407694.1, NM_001407695.1 and 29 more transcripts); c.3656A>G, p.Glu1219Gly (NM_001407585.1, NM_001407593.1, NM_001407594.1 and 30 more transcripts); c.3653A>G, p.Glu1218Gly (NM_001407587.1, NM_001407590.1, NM_001407591.1 and 22 more transcripts); c.3443A>G, p.Glu1148Gly (NM_001407571.1, NM_001407853.1, NM_001407894.1 and 9 more transcripts); c.3323A>G, p.Glu1108Gly (NM_001407951.1, NM_001407952.1, NM_001407953.1 and 6 more transcripts); c.3512A>G, p.Glu1171Gly (NM_001407943.1, NM_001407964.1, NM_001407740.1 and 20 more transcripts); c.3320A>G, p.Glu1107Gly (NM_001407954.1, NM_001407955.1, NM_001407956.1 and 1 more transcripts); and 41 more; short protein forms E1172G, E1219G, E1131G, E1148G, E1193G, E351G, E1051G, E1091G.
Identifiers: ClinVar variation 1472400 (VCV001472400.10), dbSNP rs2154296539, ClinGen allele CA10594658.